The following is an entry in ClinVar:

ClinVar aggregate classification (germline): Conflicting classifications of pathogenicity. Review status: criteria provided, conflicting classifications (1 of 4 stars). 11 submissions from 11 submitters: Uncertain significance (7); Likely benign (3). 1 of the submissions does not count toward it. Last evaluated 2026-04-16.

Conditions:
MKS1-related disorder. Also called: MKS1-related disorders; MKS1-related condition. Identifiers: MedGen CN239382.
Joubert syndrome 28 (JBTS28). Identifiers: MedGen C4310705, MONDO:0014928, OMIM 617121.
Bardet-Biedl syndrome 13 (BBS13). Identifiers: Orphanet 110, MedGen C2673873, MONDO:0014441, OMIM 615990.
Meckel syndrome, type 1 (MKS1). Also called: MECKEL-GRUBER SYNDROME, TYPE 1. Identifiers: Orphanet 564, MedGen C3714506, MONDO:0009571, OMIM 249000.
Ciliopathy. Also called: Ciliopathies. Identifiers: Orphanet 363250, MedGen C4277690, MONDO:0005308, MeSH D000072661.
Joubert syndrome. Also called: JOUBERT-BOLTSHAUSER SYNDROME; Familial aplasia of the vermis. Identifiers: Orphanet 475, MedGen C5979921, MONDO:0018772.
Meckel-Gruber syndrome. Also called: DYSENCEPHALIA SPLANCHNOCYSTICA; GRUBER SYNDROME; Dysencephalia splachnocystica. Identifiers: Orphanet 564, MedGen C0265215, MONDO:0018921.

Allele frequency attached by ClinVar (database versions not stated): 1000 Genomes Project 30x 0.00016; 1000 Genomes Project 0.00020; gnomAD exomes 0.00040 and 0.00069; ExAC 0.00041; gnomAD 0.00042; TOPMed 0.00059; ESP Exome Variant Server 0.00073.
gnomAD v4.1: 1,060 of 1,614,002 alleles (0.066%); highest among the groups gnomAD compares: Non-Finnish European, 0.084%; 1 homozygote.

Submissions (11):

PreventionGenetics, part of Exact Sciences
Classification: Uncertain significance for MKS1-related condition. Last evaluated: 2026-04-16. Review status: criteria provided, single submitter. Criteria: ACMG Guidelines, 2015. Collection method: clinical testing. Allele origin: germline.
Comment: The MKS1 c.118C>T variant is predicted to result in the amino acid substitution p.His40Tyr. To our knowledge, this variant has not been reported in the literature. This variant is reported in 0.072% of alleles in individuals of European (non-Finnish) descent in gnomAD, which is likely too common for an undocumented disease-causing variant. Although we suspect that this variant may be benign, the clinical significance of this variant is uncertain at this time due to the absence of conclusive functional and genetic evidence.

CeGaT Center for Human Genetics Tuebingen
Classification: Likely benign. Last evaluated: 2026-01-01. Review status: criteria provided, single submitter. Criteria: CeGaT Center For Human Genetics Tuebingen Variant Classification Criteria Version 2. Collection method: clinical testing. Allele origin: germline. Affected: yes. Observed: 2 variant alleles.
Comment: MKS1: BP4

Labcorp Genetics (formerly Invitae), Labcorp
Classification: Likely benign for Joubert syndrome; Meckel-Gruber syndrome. Last evaluated: 2025-12-03. Review status: criteria provided, single submitter. Criteria: Invitae Variant Classification Sherloc (09022015). Collection method: clinical testing. Allele origin: germline.

Myriad Genetics, Inc.
Classification: Uncertain significance for Ciliopathy. Last evaluated: 2025-11-17. Review status: criteria provided, single submitter. Criteria: Myriad Autosomal Dominant, Autosomal Recessive and X-Linked Classification Criteria (2023). Collection method: clinical testing. Allele origin: unknown.
Comment: NM_017777.3(MKS1):c.118C>T(H40Y) is a missense variant classified as a variant of uncertain significance in the context of MKS1-related disorders. H40Y has not been observed in cases with relevant disease. Relevant functional assessments of this variant are not available in the literature. H40Y has been observed in referenced population frequency databases. In summary, there is insufficient evidence to classify NM_017777.3(MKS1):c.118C>T(H40Y) as pathogenic or benign. Please note: this variant was assessed in the context of healthy population screening.

Mayo Clinic Laboratories, Mayo Clinic
Classification: Uncertain significance. Last evaluated: 2025-09-08. Review status: criteria provided, single submitter. Criteria: ACMG Guidelines, 2015. Collection method: clinical testing. Allele origin: germline. Observed: 2 variant alleles.
Comment: BP4_moderate

Blueprint Genetics
Classification: Likely benign. Last evaluated: 2024-11-07. Review status: criteria provided, single submitter. Criteria: ACMG Guidelines, 2015. Collection method: clinical testing. Allele origin: germline.

GeneDx
Classification: Uncertain significance. Last evaluated: 2023-05-15. Review status: criteria provided, single submitter. Criteria: GeneDx Variant Classification Process June 2021. Collection method: clinical testing. Allele origin: germline. Affected: yes.
Comment: In silico analysis supports that this missense variant does not alter protein structure/function; In silico analysis is inconclusive as to whether the variant alters gene splicing. In the absence of RNA/functional studies, the actual effect of this sequence change is unknown.; Has not been previously published as pathogenic or benign to our knowledge

Genetic Services Laboratory, University of Chicago
Classification: Uncertain significance. Last evaluated: 2021-06-18. Review status: criteria provided, single submitter. Criteria: ACMG Guidelines, 2015. Collection method: clinical testing. Allele origin: germline. Affected: no.
Comment: DNA sequence analysis of the MKS1 gene demonstrated a sequence change, c.118C>T, in exon 2 that results in an amino acid change, p.His40Tyr. This sequence change has been described in gnomAD with a frequency of 0.072% in the Non-Finnish European sub-population (dbSNP rs199832333). The p.His40Tyr change affects a moderately conserved amino acid residue located in a domain of the MKS1 protein that is not known to be functional. The p.His40Tyr substitution appears to be tolerated using several in-silico pathogenicity prediction tools (SIFT, PolyPhen2, Align GVGD, REVEL). This sequence change does not appear to have been previously described in patients with MKS1-related disorders. Due to the lack of sufficient evidences, the clinical significance of the p.His40Tyr change remains unknown at this time.

Fulgent Genetics
Classification: Uncertain significance for Meckel syndrome, type 1; Bardet-Biedl syndrome 13; Joubert syndrome 28. Last evaluated: 2018-10-31. Review status: criteria provided, single submitter. Criteria: ACMG Guidelines, 2015. Collection method: clinical testing. Allele origin: unknown.

Eurofins Ntd Llc (ga)
Classification: Uncertain significance. Last evaluated: 2018-06-05. Review status: criteria provided, single submitter. Criteria: EGL ClinVar v180209 classification definitions. Collection method: clinical testing. Allele origin: germline. Observed: 3 variant alleles, 3 heterozygotes.

Natera, Inc.
Classification: Uncertain significance for Meckel syndrome type 1. Last evaluated: 2020-09-16. Review status: no assertion criteria provided. Collection method: clinical testing. Allele origin: germline. Not counted in ClinVar's aggregate classification.

NM_017777.4(MKS1):c.118C>T (p.His40Tyr)

Gene: MKS1 (MKS transition zone complex subunit 1; minus strand). Cytogenetic location: 17q22.
Variant type: single nucleotide variant.
Coding change: c.118C>T on transcript NM_017777.4 (MANE Select); coding-DNA position 118, C replaced by T.
Protein change: p.His40Tyr; replaces histidine 40 with tyrosine.
Molecular consequence: missense variant. On other transcripts: 5 prime UTR variant (1).
Genome position (GRCh38, 1-based): chr17:58,218,692, G>A on the plus strand (C>T on the coding strand, the complement: MKS1 is on the minus strand). VCF-style: chr17-58218692-G-A. GRCh37 (hg19) VCF-style: chr17-56296053-G-A.
Other names: p.His40Tyr; c.-394C>T (NM_001321268.2); c.118C>T, p.His40Tyr (NM_001321269.2, NM_001330397.2); short protein forms H40Y.
Identifiers: ClinVar variation 281544 (VCV000281544.40), dbSNP rs199832333, ClinGen allele CA8669639.